The following is an entry in ClinVar:

ClinVar aggregate classification (germline): Uncertain significance (1 of 4 stars; one submission).

Submission:

Labcorp Genetics (formerly Invitae), Labcorp
Classification: Uncertain significance. Last evaluated: 2022-02-17. Review status: criteria provided, single submitter. Criteria: Invitae Variant Classification Sherloc (09022015). Collection method: clinical testing. Allele origin: germline.
Comment: In summary, the available evidence is currently insufficient to determine the role of this variant in disease. Therefore, it has been classified as a Variant of Uncertain Significance. This sequence change replaces serine, which is neutral and polar, with phenylalanine, which is neutral and non-polar, at codon 1923 of the KIAA1549 protein (p.Ser1923Phe). This variant is not present in population databases (gnomAD no frequency). This variant has not been reported in the literature in individuals affected with KIAA1549-related conditions. Algorithms developed to predict the effect of missense changes on protein structure and function are either unavailable or do not agree on the potential impact of this missense change (SIFT: "Deleterious"; PolyPhen-2: "Probably Damaging"; Align-GVGD: "Class C15").

NM_001164665.2(KIAA1549):c.5768C>T (p.Ser1923Phe)

Gene: KIAA1549 (KIAA1549; minus strand). Cytogenetic location: 7q34.
Variant type: single nucleotide variant.
Coding change: c.5768C>T on transcript NM_001164665.2 (MANE Select); coding-DNA position 5768, C replaced by T.
Protein change: p.Ser1923Phe; replaces serine 1923 with phenylalanine.
Molecular consequence: missense variant.
Genome position (GRCh38, 1-based): chr7:138,837,991, G>A on the plus strand (C>T on the coding strand, the complement: KIAA1549 is on the minus strand). VCF-style: chr7-138837991-G-A. GRCh37 (hg19) VCF-style: chr7-138522736-G-A.
Other names: c.5720C>T, p.Ser1907Phe (NM_020910.3); short protein forms S1907F, S1923F.
Identifiers: ClinVar variation 2095128 (VCV002095128.4), dbSNP rs2485424468, ClinGen allele CA369383401.
Genomic context (GRCh38, chr7:138,837,991, plus strand): 5'-CTCTGTTTCTGGGAGAGCCGGAGGAGCTCCTCGCGGATTGCTTTGATGAGAGAGGCCGAG[G>A]AGTGGCCAGGCTGGAGGTCTTCCGTGGAGCTGGTGGGGTAACCCAGCCCAGGGCCCTGCA-3'
Protein context (NP_001158137.1, residues 1913-1933): SSTEDLQPGH[Ser1923Phe]SASLIKAIRE